The following is an entry in ClinVar:

NM_001035.3(RYR2):c.1639A>C (p.Asn547His)

Gene: RYR2 (ryanodine receptor 2; plus strand). Cytogenetic location: 1q43.
Variant type: single nucleotide variant.
Coding change: c.1639A>C on transcript NM_001035.3 (MANE Select); coding-DNA position 1639, A replaced by C.
Protein change: p.Asn547His; replaces asparagine 547 with histidine.
Molecular consequence: missense variant.
Genome position (GRCh38, 1-based): chr1:237,469,118, A>C. VCF-style: chr1-237469118-A-C. GRCh37 (hg19) VCF-style: chr1-237632418-A-C.
Other names: short protein forms N547H.
Identifiers: ClinVar variation 1990951 (VCV001990951.1), dbSNP rs2528757016, ClinGen allele CA345383671.

ClinVar aggregate classification (germline): Uncertain significance (1 of 4 stars; one submission).

Conditions:
Catecholaminergic polymorphic ventricular tachycardia 1. Also called: VENTRICULAR TACHYCARDIA, CATECHOLAMINERGIC POLYMORPHIC, 1, WITH OR WITHOUT ATRIAL DYSFUNCTION AND/OR DILATED CARDIOMYOPATHY; RYR2-Related Catecholaminergic Polymorphic Ventricular Tachycardia; VENTRICULAR TACHYCARDIA, STRESS-INDUCED POLYMORPHIC 1. Identifiers: Orphanet 3286, MedGen C1631597, MONDO:0011484, OMIM 604772.

Submission:

Labcorp Genetics (formerly Invitae), Labcorp
Classification: Uncertain significance for Catecholaminergic polymorphic ventricular tachycardia 1. Last evaluated: 2022-07-28. Review status: criteria provided, single submitter. Criteria: Invitae Variant Classification Sherloc (09022015). Collection method: clinical testing. Allele origin: germline.
Comment: This variant is not present in population databases (gnomAD no frequency). This variant has not been reported in the literature in individuals affected with RYR2-related conditions. Advanced modeling of protein sequence and biophysical properties (such as structural, functional, and spatial information, amino acid conservation, physicochemical variation, residue mobility, and thermodynamic stability) performed at Invitae indicates that this missense variant is expected to disrupt RYR2 protein function. In summary, the available evidence is currently insufficient to determine the role of this variant in disease. Therefore, it has been classified as a Variant of Uncertain Significance.